The following is an entry in ClinVar:

NM_000179.3(MSH6):c.3108dup (p.Phe1037fs)

Gene: MSH6 (mutS homolog 6; plus strand). Cytogenetic location: 2p16.3.
Variant type: Duplication.
Coding change: c.3108dup on transcript NM_000179.3 (MANE Select); coding-DNA position 3108, one base duplicated (G; older notation c.3108dupG).
Protein change: p.Phe1037fs; shifts the reading frame from phenylalanine 1037.
Molecular consequence: frameshift variant. On other transcripts: non-coding transcript variant (5), intron variant (2).
Genome position (GRCh38, 1-based): chr2:47,801,091, G duplicated. VCF-style (leftmost placement, unchanged base first): chr2-47801090-T-TG. GRCh37 (hg19) VCF-style: chr2-48028229-T-TG.
Other names: c.3108dupG (NM_000179.2); c.2718dup, p.Phe907fs (NM_001281492.2); c.2202dup, p.Phe735fs (NM_001281493.2, NM_001281494.2, NM_001406811.1 and 6 more transcripts); c.3204dup, p.Phe1069fs (NM_001406795.1, NM_001406802.1); c.3108dup, p.Phe1037fs (NM_001406796.1, NM_001406798.1, NM_001406800.1 and 2 more transcripts); c.2811dup, p.Phe938fs (NM_001406797.1, NM_001406801.1, NM_001406805.1 and 10 more transcripts); c.2583dup, p.Phe862fs (NM_001406799.1, NM_001406806.1, NM_001406807.1); c.3030dup, p.Phe1011fs (NM_001406804.1); and 5 more; short protein forms F1011fs, F1037fs, F1039fs, F1069fs, F352fs, F735fs, F862fs, F907fs.
Identifiers: ClinVar variation 4860407 (VCV004860407.2).

ClinVar aggregate classification (germline): Pathogenic. Review status: criteria provided, multiple submitters, no conflicts (2 of 4 stars). 2 submissions from 2 submitters: Pathogenic (2). Last evaluated 2026-05-08.

Conditions:
Hereditary cancer-predisposing syndrome. Also called: Hereditary neoplastic syndrome; Tumor predisposition; Hereditary Cancer Syndrome; Neoplastic Syndromes, Hereditary. Identifiers: Orphanet 140162, MedGen C0027672, MeSH D009386, MONDO:0015356.

Submissions (2):

Ambry Genetics
Classification: Pathogenic for Hereditary cancer-predisposing syndrome. Last evaluated: 2026-05-08. Review status: criteria provided, single submitter. Criteria: Ambry Variant Classification Scheme 2023. Collection method: clinical testing. Allele origin: germline.
Comment: The c.3108dupG pathogenic mutation, located in coding exon 4 of the MSH6 gene, results from a duplication of G at nucleotide position 3108, causing a translational frameshift with a predicted alternate stop codon (p.F1037Vfs*3). This variant is considered to be rare based on population cohorts in the Genome Aggregation Database (gnomAD). This alteration is expected to result in loss of function by premature protein truncation or nonsense-mediated mRNA decay. As such, this alteration is interpreted as a disease-causing mutation.

GeneDx
Classification: Pathogenic. Last evaluated: 2026-03-16. Review status: criteria provided, single submitter. Criteria: GeneDx Variant Classification Process June 2021. Collection method: clinical testing. Allele origin: germline.
Comment: Frameshift variant predicted to result in protein truncation or nonsense mediated decay in a gene for which loss of function is a known mechanism of disease; Not observed at significant frequency in large population cohorts (gnomAD); Truncating variants in this gene are considered pathogenic by a well-established clinical consortium and/or database; Has not been previously published as pathogenic or benign to our knowledge